The following is an entry in ClinVar:

NM_001943.5(DSG2):c.216+3A>C

Gene: DSG2 (desmoglein 2; plus strand). Cytogenetic location: 18q12.1.
Variant type: single nucleotide variant.
Coding change: c.216+3A>C on transcript NM_001943.5 (MANE Select); 3 bases into the intron after coding-DNA position 216, A replaced by C.
Molecular consequence: intron variant.
Genome position (GRCh38, 1-based): chr18:31,519,940, A>C. VCF-style: chr18-31519940-A-C. GRCh37 (hg19) VCF-style: chr18-29099903-A-C.
Other names: p.?; c.216+3A>C (LRG_397t1).
Identifiers: ClinVar variation 199797 (VCV000199797.21), dbSNP rs774208829, ClinGen allele CA021695.
Genomic context (GRCh38, chr18:31,519,940, plus strand): 5'-CGCCCCCGTGGCTCTTCGGGAGGGAGAGGATCTGTCCAAGAAGAATCCAATTGCCAAGGT[A>C]CCTCCTAAAGAGGAACATGAAATACATGCATATGACTAAAATGTGGTGTGAGAGGACTTT-3'

ClinVar aggregate classification (germline): Uncertain significance. Review status: criteria provided, multiple submitters, no conflicts (2 of 4 stars). 7 submissions from 7 submitters: Uncertain significance (7). Last evaluated 2025-12-12.

Conditions:
Cardiovascular phenotype. Identifiers: MedGen CN230736.
Arrhythmogenic right ventricular dysplasia 10. Also called: Arrhythmogenic right ventricular dysplasia/cardiomyopathy, type 10; Arrhythmogenic Right Ventricular Dysplasia/Cardiomyopathy10; ARRHYTHMOGENIC RIGHT VENTRICULAR DYSPLASIA, FAMILIAL, 10. Identifiers: MedGen C1857777, MONDO:0012434, OMIM 610193.
Dilated cardiomyopathy 1BB (CMD1BB). Also called: CARDIOMYOPATHY, DILATED, 1BB, SUSCEPTIBILITY TO. Identifiers: Orphanet 154, MedGen C2752072, MONDO:0013030, OMIM 612877.
Arrhythmogenic right ventricular cardiomyopathy (ARVD). Also called: Arrhythmogenic cardiomyopathy; Arrhythmogenic Right Ventricular Cardiomyopathy (ARVC); Cardiomyopathy, ARVC; Arrhythmogenic right ventricular dysplasia. Identifiers: Orphanet 247, MedGen C0349788, MeSH D019571, MONDO:0016587. Disease mechanism: loss of function. Inheritance: Various modes of inheritance.
Cardiomyopathy (CMYO). Also called: Cardiomyopathies. Identifiers: Orphanet 167848, MedGen C0878544, MONDO:0004994, HP:0001638. Inheritance: Various modes of inheritance.

Allele frequency attached by ClinVar (database versions not stated): gnomAD exomes 0.00002; gnomAD 0.00003; TOPMed 0.00003.
gnomAD v4.1: 35 of 1,614,030 alleles (0.0022%); highest among the groups gnomAD compares: Non-Finnish European, 0.0029%; no homozygotes.

Submissions (7):

Labcorp Genetics (formerly Invitae), Labcorp
Classification: Uncertain significance for Arrhythmogenic right ventricular dysplasia 10. Last evaluated: 2025-12-12. Review status: criteria provided, single submitter. Criteria: Invitae Variant Classification Sherloc (09022015). Collection method: clinical testing. Allele origin: germline.
Comment: This sequence change falls in intron 3 of the DSG2 gene. It does not directly change the encoded amino acid sequence of the DSG2 protein. It affects a nucleotide within the consensus splice site. This variant is present in population databases (rs774208829, gnomAD 0.02%). This variant has not been reported in the literature in individuals affected with DSG2-related conditions. ClinVar contains an entry for this variant (Variation ID: 199797). Variants that disrupt the consensus splice site are a relatively common cause of aberrant splicing (PMID: 17576681, 9536098). Algorithms developed to predict the effect of sequence changes on RNA splicing suggest that this variant may disrupt the consensus splice site. In summary, the available evidence is currently insufficient to determine the role of this variant in disease. Therefore, it has been classified as a Variant of Uncertain Significance.

Mayo Clinic Laboratories, Mayo Clinic
Classification: Uncertain significance. Last evaluated: 2025-01-02. Review status: criteria provided, single submitter. Criteria: ACMG Guidelines, 2015. Collection method: clinical testing. Allele origin: germline. Observed: 1 variant allele.
Comment: PM2_supporting

Ambry Genetics
Classification: Uncertain significance for Cardiovascular phenotype. Last evaluated: 2024-08-27. Review status: criteria provided, single submitter. Criteria: Ambry Variant Classification Scheme 2023. Collection method: clinical testing. Allele origin: germline.
Comment: The c.216+3A>C intronic variant results from an A to C substitution 3 nucleotides after coding exon 3 in the DSG2 gene. This nucleotide position is well conserved in available vertebrate species. In silico splice site analysis predicts that this alteration will result in the creation or strengthening of a novel splice donor site. Since supporting evidence is limited at this time, the clinical significance of this alteration remains unclear.

Color Diagnostics, LLC DBA Color Health
Classification: Uncertain significance for Cardiomyopathy. Last evaluated: 2024-03-25. Review status: criteria provided, single submitter. Criteria: ACMG Guidelines, 2015. Collection method: clinical testing. Allele origin: germline.
Comment: This variant causes an A>C nucleotide substitution at the +3 position of intron 3 of the DSG2 gene. Splice site prediction tools predict that this variant may have a significant impact on RNA splicing. To our knowledge, functional studies have not been reported for this variant. This variant has not been reported in individuals affected with cardiovascular disorders in the literature. This variant has been identified in 3/31396 chromosomes in the general population by the Genome Aggregation Database (gnomAD). The available evidence is insufficient to determine the role of this variant in disease conclusively. Therefore, this variant is classified as a Variant of Uncertain Significance.

All of Us Research Program, National Institutes of Health
Classification: Uncertain significance for Arrhythmogenic right ventricular cardiomyopathy. Last evaluated: 2023-11-28. Review status: criteria provided, single submitter. Criteria: ACMG Guidelines, 2015. Collection method: clinical testing. Allele origin: germline. Inheritance: Autosomal dominant inheritance. Observed: 3 variant alleles, 3 heterozygotes.
Comment: This study involves interpretation of variants in research participants for the purpose of population health screening. Participant phenotype was not available at the time of variant classification. Additional details can be found in publication PMID: 35346344, PMCID: PMC8962531

Fulgent Genetics
Classification: Uncertain significance for Arrhythmogenic right ventricular dysplasia 10; Dilated cardiomyopathy 1BB. Last evaluated: 2021-08-31. Review status: criteria provided, single submitter. Criteria: ACMG Guidelines, 2015. Collection method: clinical testing. Allele origin: unknown.

GeneDx
Classification: Uncertain significance. Last evaluated: 2019-04-11. Review status: criteria provided, single submitter. Criteria: GeneDx Variant Classification Process June 2021. Collection method: clinical testing. Allele origin: germline. Affected: yes.
Comment: In silico analysis, which includes splice predictors and evolutionary conservation, supports a deleterious effect; Has not been previously published as pathogenic or benign to our knowledge

Literature cited by the submitters: PubMed 17576681 (cited by Labcorp Genetics (formerly Invitae), Labcorp); PubMed 9536098 (cited by Labcorp Genetics (formerly Invitae), Labcorp).